The following is an entry in ClinVar:

ClinVar aggregate classification (germline): Uncertain significance (1 of 4 stars; one submission).

Submission:

Ambry Genetics
Classification: Uncertain significance. Last evaluated: 2025-02-22. Review status: criteria provided, single submitter. Criteria: Ambry Variant Classification Scheme 2023. Collection method: clinical testing. Allele origin: germline.
Comment: The p.S886P variant (also known as c.2656T>C), located in coding exon 7 of the CDK12 gene, results from a T to C substitution at nucleotide position 2656. The serine at codon 886 is replaced by proline, an amino acid with similar properties. This amino acid position is conserved. In addition, the in silico prediction for this alteration is inconclusive. Based on the available evidence, the clinical significance of this variant remains unclear.

NM_016507.4(CDK12):c.2656T>C (p.Ser886Pro)

Gene: CDK12 (cyclin dependent kinase 12; plus strand). Cytogenetic location: 17q12.
Variant type: single nucleotide variant.
Coding change: c.2656T>C on transcript NM_016507.4 (MANE Select); coding-DNA position 2656, T replaced by C.
Protein change: p.Ser886Pro; replaces serine 886 with proline.
Molecular consequence: missense variant.
Genome position (GRCh38, 1-based): chr17:39,509,751, T>C. VCF-style: chr17-39509751-T-C. GRCh37 (hg19) VCF-style: chr17-37666004-T-C.
Other names: c.2656T>C, p.Ser886Pro (NM_015083.4); short protein forms S886P.
Identifiers: ClinVar variation 3830697 (VCV003830697.1).